The following is an entry in ClinVar:

NC_012920.1(MT-TC):m.5821G>A

Gene: MT-TC (mitochondrially encoded tRNA cysteine; minus strand).
Variant type: single nucleotide variant.
Genome position: chrM-5821-G-A.
Identifiers: ClinVar variation 690005 (VCV000690005.1), dbSNP rs56133209, ClinGen allele CA337097251.
Genomic context (GRCh38, chrMT:5,821, plus strand): 5'-AAGCCCCGGCAGGTTTGAAGCTGCTTCTTCGAATTTGCAATTCAATATGAAAATCACCTC[G>A]GAGCTGGTAAAAAGAGGCCTAACCCCTGTCTTTAGATTTACAGTCCAATGCTTCACTCAG-3'

ClinVar aggregate classification (germline): Benign (1 of 4 stars; one submission).

Conditions:
MELAS syndrome (MELAS). Also called: Juvenile myopathy, encephalopathy, lactic acidosis, stroke. Identifiers: Orphanet 550, MedGen C0162671, MONDO:0010789, OMIM 540000.

Submission:

Wong Mito Lab, Molecular and Human Genetics, Baylor College of Medicine
Classification: Benign for MELAS syndrome. Last evaluated: 2019-07-12. Review status: criteria provided, single submitter. Criteria: Modified ACMG Guidelines (Unpublished). Collection method: clinical testing. Allele origin: germline.
Comment: The NC_012920.1:m.5821G>A variant in MT-TC gene is interpreted to be a Benign variant based on the modified ACMG guidelines (unpublished). This variant meets the following evidence codes reported in the guidelines: BS1, BS2, BP4

Literature cited by the submitters: PubMed 31965079.